The following is an entry in ClinVar:

NM_025179.4(PLXNA2):c.1164G>A (p.Gly388=)

Gene: PLXNA2 (plexin A2; minus strand). Cytogenetic location: 1q32.2.
Variant type: single nucleotide variant.
Coding change: c.1164G>A on transcript NM_025179.4 (MANE Select); coding-DNA position 1164, G replaced by A.
Protein change: p.Gly388=; no amino-acid change (glycine 388 retained).
Molecular consequence: synonymous variant.
Genome position (GRCh38, 1-based): chr1:208,216,759, C>T on the plus strand (G>A on the coding strand, the complement: PLXNA2 is on the minus strand). VCF-style: chr1-208216759-C-T. GRCh37 (hg19) VCF-style: chr1-208390104-C-T.
Identifiers: ClinVar variation 3353261 (VCV003353261.1).

ClinVar aggregate classification (germline): Likely benign (0 of 4 stars; one submission).

Conditions:
PLXNA2-related disorder. Also called: PLXNA2-related condition.

gnomAD v4.1: 3 of 1,613,462 alleles (0.00019%); highest among the groups gnomAD compares: Admixed American, 0.0033%; no homozygotes.

Submission:

PreventionGenetics, part of Exact Sciences
Classification: Likely benign for PLXNA2-related condition. Last evaluated: 2023-10-30. Review status: no assertion criteria provided. Collection method: clinical testing. Allele origin: germline.
Comment: This variant is classified as likely benign based on ACMG/AMP sequence variant interpretation guidelines (Richards et al. 2015 PMID: 25741868, with internal and published modifications).